The following is an entry in ClinVar:

ClinVar aggregate classification (germline): Conflicting classifications of pathogenicity. Review status: criteria provided, conflicting classifications (1 of 4 stars). 3 submissions from 3 submitters: Uncertain significance (2); Likely benign (1). Last evaluated 2024-09-08.

Allele frequency attached by ClinVar (database versions not stated): TOPMed 0.00004; gnomAD 0.00005; gnomAD exomes 0.00009; ExAC 0.00011; ESP Exome Variant Server 0.00015.
gnomAD v4.1: 142 of 1,613,488 alleles (0.0088%); highest among the groups gnomAD compares: Non-Finnish European, 0.011%; no homozygotes.

Submissions (3):

Ambry Genetics
Classification: Uncertain significance. Last evaluated: 2024-09-08. Review status: criteria provided, single submitter. Criteria: Ambry Variant Classification Scheme 2023. Collection method: clinical testing. Allele origin: germline.

Labcorp Genetics (formerly Invitae), Labcorp
Classification: Uncertain significance. Last evaluated: 2024-07-01. Review status: criteria provided, single submitter. Criteria: Invitae Variant Classification Sherloc (09022015). Collection method: clinical testing. Allele origin: germline.
Comment: This sequence change replaces alanine, which is neutral and non-polar, with threonine, which is neutral and polar, at codon 374 of the MICAL1 protein (p.Ala374Thr). This variant is present in population databases (rs143552986, gnomAD 0.02%). This variant has not been reported in the literature in individuals affected with MICAL1-related conditions. ClinVar contains an entry for this variant (Variation ID: 2148276). An algorithm developed to predict the effect of missense changes on protein structure and function (PolyPhen-2) suggests that this variant is likely to be tolerated. In summary, the available evidence is currently insufficient to determine the role of this variant in disease. Therefore, it has been classified as a Variant of Uncertain Significance.

CeGaT Center for Human Genetics Tuebingen
Classification: Likely benign. Last evaluated: 2024-01-01. Review status: criteria provided, single submitter. Criteria: CeGaT Center For Human Genetics Tuebingen Variant Classification Criteria Version 2. Collection method: clinical testing. Allele origin: germline. Affected: yes. Observed: 1 variant allele.
Comment: MICAL1: BP4

NM_022765.4(MICAL1):c.1063G>A (p.Ala355Thr)

Gene: MICAL1 (microtubule associated monooxygenase, calponin and LIM domain containing 1; minus strand). Cytogenetic location: 6q21.
Variant type: single nucleotide variant.
Coding change: c.1063G>A on transcript NM_022765.4 (MANE Select); coding-DNA position 1063, G replaced by A.
Protein change: p.Ala355Thr; replaces alanine 355 with threonine.
Molecular consequence: missense variant. On other transcripts: intron variant (1).
Genome position (GRCh38, 1-based): chr6:109,450,428, C>T on the plus strand (G>A on the coding strand, the complement: MICAL1 is on the minus strand). VCF-style: chr6-109450428-C-T. GRCh37 (hg19) VCF-style: chr6-109771631-C-T.
Other names: c.1063G>A (NM_022765.3); c.1120G>A, p.Ala374Thr (NM_001286613.2); c.934-343G>A (NM_001159291.2); short protein forms A374T, A355T.
Identifiers: ClinVar variation 2148276 (VCV002148276.27), dbSNP rs143552986, ClinGen allele CA3953512.